The following is an entry in ClinVar:

NM_006311.4(NCOR1):c.6678G>A (p.Met2226Ile)

Gene: NCOR1 (nuclear receptor corepressor 1; minus strand). Cytogenetic location: 17p12.
Variant type: single nucleotide variant.
Coding change: c.6678G>A on transcript NM_006311.4 (MANE Select); coding-DNA position 6678, G replaced by A.
Protein change: p.Met2226Ile; replaces methionine 2226 with isoleucine.
Molecular consequence: missense variant.
Genome position (GRCh38, 1-based): chr17:16,046,952, C>T on the plus strand (G>A on the coding strand, the complement: NCOR1 is on the minus strand). VCF-style: chr17-16046952-C-T. GRCh37 (hg19) VCF-style: chr17-15950266-C-T.
Other names: c.6369G>A, p.Met2123Ile (NM_001190440.2); short protein forms M2123I, M2226I.
Identifiers: ClinVar variation 3058498 (VCV003058498.2), dbSNP rs527871403, ClinGen allele CA8407980.

ClinVar aggregate classification (germline): Likely benign (0 of 4 stars; one submission).

Conditions:
NCOR1-related disorder. Also called: NCOR1-related condition.

Allele frequency attached by ClinVar (database versions not stated): TOPMed 0.00002; gnomAD 0.00007; gnomAD exomes 0.00011; ExAC 0.00026; 1000 Genomes Project 0.00060; 1000 Genomes Project 30x 0.00062.
gnomAD v4.1: 172 of 1,613,454 alleles (0.011%); highest among the groups gnomAD compares: South Asian, 0.18%; 1 homozygote.

Submission:

PreventionGenetics, part of Exact Sciences
Classification: Likely benign for NCOR1-related condition. Last evaluated: 2022-05-06. Review status: no assertion criteria provided. Collection method: clinical testing. Allele origin: germline.
Comment: This variant is classified as likely benign based on ACMG/AMP sequence variant interpretation guidelines (Richards et al. 2015 PMID: 25741868, with internal and published modifications).